The following is an entry in ClinVar:

ClinVar aggregate classification (germline): Pathogenic/Likely pathogenic. Review status: criteria provided, multiple submitters, no conflicts (2 of 4 stars). 2 submissions from 2 submitters: Pathogenic (1); Likely pathogenic (1). Last evaluated 2024-10-17.

Conditions:
Recessive dystrophic epidermolysis bullosa (RDEB). Also called: DYSTROPHIC EPIDERMOLYSIS BULLOSA, AUTOSOMAL RECESSIVE; EPIDERMOLYSIS BULLOSA DYSTROPHICA, HALLOPEAU-SIEMENS TYPE; Hallopeau-Siemens Disease; severe generalized recessive dystrophic epidermolysis bullosa; epidermolysis bullosa dystrophica, autosomal recessive; Recessive DEB (RDEB). Identifiers: Orphanet 79408, Orphanet 79409, MedGen C0079474, MONDO:0009179, OMIM 226600.
Epidermolysis bullosa dystrophica. Also called: Dystrophic epidermolysis bullosa, Hallopeau-Siemens type (formerly); Dystrophic epidermolysis bullosa. Identifiers: Orphanet 303, MedGen C0079294, MONDO:0006543.

Submissions (2):

Natera, Inc.
Classification: Pathogenic for Dystrophic epidermolysis bullosa. Last evaluated: 2024-10-17. Review status: criteria provided, single submitter. Criteria: Natera Variant Classification Schema (03/2026). Collection method: clinical testing. Allele origin: germline.
Comment: The c.7727T>A variant in COL7A1 is a nonsense variant predicted to introduce a stop codon at amino acid 2576. This variant is expected to result in nonsense mediated decay, truncation, or a dysfunctional protein product. This variant is rare in the general population with a frequency below the threshold expected for the associated phenotype(s). This variant has been observed in one or more individuals affected with the associated recessive disease, as either homozygous or compound heterozygous with a second variant (PMID: 37556444). Given the available evidence, this variant is classified as Pathogenic.

Neuberg Centre For Genomic Medicine, NCGM
Classification: Likely pathogenic for Recessive dystrophic epidermolysis bullosa. Review status: criteria provided, single submitter. Criteria: ACMG Guidelines, 2015. Collection method: clinical testing. Allele origin: germline. Inheritance: Autosomal recessive inheritance. Affected: yes.
Comment: The observed stop gain c.7727T>A(p.Leu2576Ter) variant in COL7A1 gene has not been reported previously as a pathogenic variant nor a benign variant, to our knowledge. The c.7727T>A variant is absent in gnomAD Exomes. This variant has not been submitted to the ClinVar database. The nucleotide change c.7727T>A in COL7A1 is predicted as conserved by PhyloP across 100 vertebrates. This variant is predicted to cause loss of normal protein function through protein truncation. Loss of function variants have been previously reported to be disease causing. For these reasons, this variant has been classified as Likely Pathogenic.

Literature cited by the submitters: PubMed 37556444 (cited by Natera, Inc.).

NM_000094.4(COL7A1):c.7727T>A (p.Leu2576Ter)

Gene: COL7A1 (collagen type VII alpha 1 chain; minus strand). Cytogenetic location: 3p21.31.
Variant type: single nucleotide variant.
Coding change: c.7727T>A on transcript NM_000094.4 (MANE Select); coding-DNA position 7727, T replaced by A.
Protein change: p.Leu2576Ter; replaces leucine 2576 with a stop codon.
Molecular consequence: nonsense.
Genome position (GRCh38, 1-based): chr3:48,568,815, A>T on the plus strand (T>A on the coding strand, the complement: COL7A1 is on the minus strand). VCF-style: chr3-48568815-A-T. GRCh37 (hg19) VCF-style: chr3-48606248-A-T.
Other names: short protein forms L2576*.
Identifiers: ClinVar variation 3242212 (VCV003242212.2), dbSNP rs2530838087.